The following is an entry in ClinVar:

NM_005502.4(ABCA1):c.5774G>A (p.Arg1925Gln)

Gene: ABCA1 (ATP binding cassette subfamily A member 1; minus strand). Cytogenetic location: 9q31.1.
Variant type: single nucleotide variant.
Coding change: c.5774G>A on transcript NM_005502.4 (MANE Select); coding-DNA position 5774, G replaced by A.
Protein change: p.Arg1925Gln; replaces arginine 1925 with glutamine.
Molecular consequence: missense variant.
Genome position (GRCh38, 1-based): chr9:104,791,982, C>T on the plus strand (G>A on the coding strand, the complement: ABCA1 is on the minus strand). VCF-style: chr9-104791982-C-T. GRCh37 (hg19) VCF-style: chr9-107554263-C-T.
Other names: short protein forms R1925Q.
Identifiers: ClinVar variation 364385 (VCV000364385.51), dbSNP rs142688906, ClinGen allele CA5167727.

ClinVar aggregate classification (germline): Conflicting classifications of pathogenicity. Review status: criteria provided, conflicting classifications (1 of 4 stars). 9 submissions from 8 submitters: Uncertain significance (1); Benign (2); Likely benign (6). Last evaluated 2026-04-01.

Conditions:
Cardiovascular phenotype. Identifiers: MedGen CN230736.
Hypoalphalipoproteinemia, primary, 1. Identifiers: Orphanet 425, MedGen C5231558, MONDO:0011393, OMIM 604091.
Tangier disease (TGD). Also called: HIGH DENSITY LIPOPROTEIN DEFICIENCY, TANGIER TYPE; HIGH DENSITY LIPOPROTEIN DEFICIENCY, TYPE 1; Cholesterol thesaurismosis. Identifiers: Orphanet 31150, MedGen C0039292, MONDO:0008783, OMIM 205400.

Allele frequency attached by ClinVar (database versions not stated): 1000 Genomes Project 30x 0.00094; 1000 Genomes Project 0.00100; TOPMed 0.00119; ESP Exome Variant Server 0.00192; gnomAD 0.00220 and 0.00227; ExAC 0.00267.
gnomAD v4.1: 2,585 of 1,613,370 alleles (0.16%); highest among the groups gnomAD compares: Non-Finnish European, 0.15%; 8 homozygotes.

Submissions (9):

CeGaT Center for Human Genetics Tuebingen
Classification: Likely benign. Last evaluated: 2026-04-01. Review status: criteria provided, single submitter. Criteria: CeGaT Center For Human Genetics Tuebingen Variant Classification Criteria Version 2. Collection method: clinical testing. Allele origin: germline. Affected: yes. Observed: 11 variant alleles.
Comment: ABCA1: BS2

Labcorp Genetics (formerly Invitae), Labcorp
Classification: Benign. Last evaluated: 2026-01-25. Review status: criteria provided, single submitter. Criteria: Invitae Variant Classification Sherloc (09022015). Collection method: clinical testing. Allele origin: germline.

Blueprint Genetics
Classification: Likely benign. Last evaluated: 2024-11-25. Review status: criteria provided, single submitter. Criteria: ACMG Guidelines, 2015. Collection method: clinical testing. Allele origin: germline.

GeneDx
Classification: Uncertain significance. Last evaluated: 2024-01-02. Review status: criteria provided, single submitter. Criteria: GeneDx Variant Classification Process June 2021. Collection method: clinical testing. Allele origin: germline. Affected: yes.
Comment: Published functional studies demonstrate a damaging effect on protein trafficking and expression (PMID: 15790791); In silico analysis supports that this missense variant does not alter protein structure/function; This variant is associated with the following publications: (PMID: 34426522, 17383594, 15790791, 25215231, 16855366, 16704350, 28870971)

Ambry Genetics
Classification: Likely benign for Cardiovascular phenotype. Last evaluated: 2020-06-23. Review status: criteria provided, single submitter. Criteria: Ambry Variant Classification Scheme 2023. Collection method: clinical testing. Allele origin: germline.

Genetic Services Laboratory, University of Chicago
Classification: Likely benign. Last evaluated: 2019-08-08. Review status: criteria provided, single submitter. Criteria: ACMG Guidelines, 2015. Collection method: clinical testing. Allele origin: germline. Affected: no.

Women's Health and Genetics/Laboratory Corporation of America, LabCorp
Classification: Benign. Last evaluated: 2017-12-18. Review status: criteria provided, single submitter. Criteria: LabCorp Variant Classification Summary - May 2015. Collection method: clinical testing. Allele origin: germline.
Comment: Variant summary: The ABCA1 c.5774G>A (p.Arg1925Gln) variant involves the alteration of a conserved nucleotide. 3/5 in silico tools predict a benign outcome for this variant. This variant was found in 26674/299392 control chromosomes (3 homozygotes), predominantly observed in the European (Finnish) subpopulation at a frequency of 0.011096 (282/25414). This frequency is about 888 times the estimated maximal expected allele frequency of a pathogenic ABCA1 variant (0.0000125), suggesting this is likely a benign polymorphism found primarily in the populations of European (Finnish) origin. This variant has been reported in individuals with both high and low level of HDL-C, all without strong evidence for causality (Mantring 2007, Peloso 2016). The variant was also reported in a patient with Scott syndrome where authors found in in vitro experiments a decreased expression and impaired trafficking of the variant protein to the plasma membrane; however the authors speculated that another mutation, which remains to be identified, might also play a role in this phenotype (Albrecht 2005). In addition, one clinical diagnostic laboratory classified this variant as likely benign. Taken together, this variant is classified as benign.

Illumina Laboratory Services, Illumina
Classification: Likely benign for Tangier disease. Last evaluated: 2017-04-27. Review status: criteria provided, single submitter. Criteria: ICSL Variant Classification Criteria 13 December 2019. Collection method: clinical testing. Allele origin: germline.
Comment: This variant was observed as part of a predisposition screen in an ostensibly healthy population. A literature search was performed for the gene, cDNA change, and amino acid change (where applicable). No publications were found based on this search. Allele frequency data from public databases allowed determination this variant is unlikely to cause disease. Therefore, this variant is classified as likely benign.

Illumina Laboratory Services, Illumina
Classification: Likely benign for Hypoalphalipoproteinemia, primary, 1. Last evaluated: 2017-04-27. Review status: criteria provided, single submitter. Criteria: ICSL Variant Classification Criteria 13 December 2019. Collection method: clinical testing. Allele origin: germline.
Comment: the same text as in the submission from Illumina Laboratory Services, Illumina above.

Literature cited by the submitters: PubMed 23139370 (cited by Women's Health and Genetics/Laboratory Corporation of America, LabCorp); PubMed 16855366 (cited by Women's Health and Genetics/Laboratory Corporation of America, LabCorp); PubMed 26350511 (cited by Women's Health and Genetics/Laboratory Corporation of America, LabCorp); PubMed 17383594 (cited by Women's Health and Genetics/Laboratory Corporation of America, LabCorp); PubMed 20011639 (cited by Women's Health and Genetics/Laboratory Corporation of America, LabCorp); PubMed 15790791 (cited by Women's Health and Genetics/Laboratory Corporation of America, LabCorp).